The following is an entry in ClinVar:

ClinVar aggregate classification (germline): Benign/Likely benign. Review status: criteria provided, multiple submitters, no conflicts (2 of 4 stars). 4 submissions from 4 submitters: Benign (1); Likely benign (2). 1 of the submissions does not count toward it. Last evaluated 2026-09-01.

Conditions:
MYO18B-related disorder. Also called: MYO18B-related condition.

Allele frequency attached by ClinVar (database versions not stated): gnomAD exomes 0.00094; ExAC 0.00114; ESP Exome Variant Server 0.00270; gnomAD 0.00385 and 0.00406; TOPMed 0.00450; 1000 Genomes Project 0.00479; 1000 Genomes Project 30x 0.00500.
gnomAD v4.1: 1,156 of 1,613,852 alleles (0.072%); highest among the groups gnomAD compares: African/African-American, 1.2%; 7 homozygotes.

Submissions (4):

CeGaT Center for Human Genetics Tuebingen
Classification: Likely benign. Last evaluated: 2026-09-01. Review status: criteria provided, single submitter. Criteria: CeGaT Center For Human Genetics Tuebingen Variant Classification Criteria Version 2. Collection method: clinical testing. Allele origin: germline. Affected: yes. Observed: 1 variant allele.
Comment: MYO18B: BP4, BS1

Blueprint Genetics
Classification: Likely benign. Last evaluated: 2024-09-23. Review status: criteria provided, single submitter. Criteria: ACMG Guidelines, 2015. Collection method: clinical testing. Allele origin: germline.

Labcorp Genetics (formerly Invitae), Labcorp
Classification: Benign. Last evaluated: 2019-12-31. Review status: criteria provided, single submitter. Criteria: Invitae Variant Classification Sherloc (09022015). Collection method: clinical testing. Allele origin: germline.

PreventionGenetics, part of Exact Sciences
Classification: Benign for MYO18B-related condition. Last evaluated: 2019-06-14. Review status: no assertion criteria provided. Collection method: clinical testing. Allele origin: germline. Not counted in ClinVar's aggregate classification.
Comment: This variant is classified as benign based on ACMG/AMP sequence variant interpretation guidelines (Richards et al. 2015 PMID: 25741868, with internal and published modifications).

NM_032608.7(MYO18B):c.6078G>T (p.Arg2026=)

Gene: MYO18B (myosin XVIIIB; plus strand). Cytogenetic location: 22q12.1.
Variant type: single nucleotide variant.
Coding change: c.6078G>T on transcript NM_032608.7 (MANE Select); coding-DNA position 6078, G replaced by T.
Protein change: p.Arg2026=; no amino-acid change (arginine 2026 retained).
Molecular consequence: synonymous variant.
Genome position (GRCh38, 1-based): chr22:25,955,286, G>T. VCF-style: chr22-25955286-G-T. GRCh37 (hg19) VCF-style: chr22-26351252-G-T.
Other names: c.6081G>T, p.Arg2027= (NM_001318245.2).
Identifiers: ClinVar variation 718655 (VCV000718655.8), dbSNP rs141663304, ClinGen allele CA10161390.